The following is an entry in ClinVar:

ClinVar aggregate classification (germline): Uncertain significance. Review status: criteria provided, multiple submitters, no conflicts (2 of 4 stars). 2 submissions from 2 submitters: Uncertain significance (2). Last evaluated 2024-10-17.

Conditions:
Heterotaxy, visceral, 5, autosomal (HTX5). Also called: Heterotaxy, visceral, 5. Identifiers: Orphanet 450, MedGen C3495537, MONDO:0700112, OMIM 270100.
Inborn genetic diseases. Identifiers: MedGen C0950123, MeSH D030342.

Allele frequency attached by ClinVar (database versions not stated): gnomAD 0.00001; TOPMed 0.00001; ExAC 0.00005.

Submissions (2):

Labcorp Genetics (formerly Invitae), Labcorp
Classification: Uncertain significance for Heterotaxy, visceral, 5, autosomal. Last evaluated: 2024-10-17. Review status: criteria provided, single submitter. Criteria: Invitae Variant Classification Sherloc (09022015). Collection method: clinical testing. Allele origin: germline.
Comment: This sequence change replaces methionine, which is neutral and non-polar, with leucine, which is neutral and non-polar, at codon 44 of the NODAL protein (p.Met44Leu). This variant is present in population databases (rs770936322, gnomAD 0.07%), and has an allele count higher than expected for a pathogenic variant. This variant has not been reported in the literature in individuals affected with NODAL-related conditions. ClinVar contains an entry for this variant (Variation ID: 2083820). Invitae Evidence Modeling of protein sequence and biophysical properties (such as structural, functional, and spatial information, amino acid conservation, physicochemical variation, residue mobility, and thermodynamic stability) indicates that this missense variant is not expected to disrupt NODAL protein function with a negative predictive value of 80%. In summary, the available evidence is currently insufficient to determine the role of this variant in disease. Therefore, it has been classified as a Variant of Uncertain Significance.

Ambry Genetics
Classification: Uncertain significance for Inborn genetic diseases. Last evaluated: 2024-10-01. Review status: criteria provided, single submitter. Criteria: Ambry Variant Classification Scheme 2023. Collection method: clinical testing. Allele origin: germline.

NM_018055.5(NODAL):c.130A>C (p.Met44Leu)

Gene: NODAL (nodal growth differentiation factor; minus strand). Cytogenetic location: 10q22.1.
Variant type: single nucleotide variant.
Coding change: c.130A>C on transcript NM_018055.5 (MANE Select); coding-DNA position 130, A replaced by C.
Protein change: p.Met44Leu; replaces methionine 44 with leucine.
Molecular consequence: missense variant. On other transcripts: intron variant (1).
Genome position (GRCh38, 1-based): chr10:70,441,538, T>G on the plus strand (A>C on the coding strand, the complement: NODAL is on the minus strand). VCF-style: chr10-70441538-T-G. GRCh37 (hg19) VCF-style: chr10-72201294-T-G.
Other names: c.130A>C (NM_018055.4); c.-206-5555A>C (NM_001329906.2); short protein forms M44L.
Identifiers: ClinVar variation 2083820 (VCV002083820.5), dbSNP rs770936322, ClinGen allele CA5537661.